The following is an entry in ClinVar:

ClinVar aggregate classification (germline): Uncertain significance (1 of 4 stars; one submission).

Allele frequency attached by ClinVar (database versions not stated): gnomAD 0.00001; TOPMed 0.00001; ExAC 0.00002; gnomAD exomes 0.00002.
gnomAD v4.1: 21 of 1,209,775 alleles (0.0017%); highest among the groups gnomAD compares: East Asian, 0.033%; no homozygotes.

Submission:

Labcorp Genetics (formerly Invitae), Labcorp
Classification: Uncertain significance. Last evaluated: 2024-10-12. Review status: criteria provided, single submitter. Criteria: Invitae Variant Classification Sherloc (09022015). Collection method: clinical testing. Allele origin: germline.
Comment: This sequence change replaces arginine, which is basic and polar, with cysteine, which is neutral and slightly polar, at codon 491 of the AMER1 protein (p.Arg491Cys). This variant is present in population databases (rs775489804, gnomAD 0.02%), including at least one homozygous and/or hemizygous individual. This variant has not been reported in the literature in individuals affected with AMER1-related conditions. ClinVar contains an entry for this variant (Variation ID: 2140442). An algorithm developed to predict the effect of missense changes on protein structure and function (PolyPhen-2) suggests that this variant is likely to be disruptive. In summary, the available evidence is currently insufficient to determine the role of this variant in disease. Therefore, it has been classified as a Variant of Uncertain Significance.

NM_152424.4(AMER1):c.1471C>T (p.Arg491Cys)

Gene: AMER1 (APC membrane recruitment protein 1; minus strand). Cytogenetic location: Xq11.2.
Variant type: single nucleotide variant.
Coding change: c.1471C>T on transcript NM_152424.4 (MANE Select); coding-DNA position 1471, C replaced by T.
Protein change: p.Arg491Cys; replaces arginine 491 with cysteine.
Molecular consequence: missense variant.
Genome position (GRCh38, 1-based): chrX:64,191,816, G>A on the plus strand (C>T on the coding strand, the complement: AMER1 is on the minus strand). VCF-style: chrX-64191816-G-A. GRCh37 (hg19) VCF-style: chrX-63411696-G-A.
Other names: short protein forms R491C.
Identifiers: ClinVar variation 2140442 (VCV002140442.4), dbSNP rs775489804, ClinGen allele CA10432335.